The following is an entry in ClinVar:

NM_022455.5(NSD1):c.3029A>G (p.Lys1010Arg)

Gene: NSD1 (nuclear receptor binding SET domain protein 1; plus strand). Cytogenetic location: 5q35.3.
Variant type: single nucleotide variant.
Coding change: c.3029A>G on transcript NM_022455.5 (MANE Select); coding-DNA position 3029, A replaced by G.
Protein change: p.Lys1010Arg; replaces lysine 1010 with arginine.
Molecular consequence: missense variant.
Genome position (GRCh38, 1-based): chr5:177,211,428, A>G. VCF-style: chr5-177211428-A-G. GRCh37 (hg19) VCF-style: chr5-176638429-A-G.
Other names: c.3029A>G, p.Lys1010Arg (NM_001409303.1, NM_001409301.1, NM_001409302.1); c.2609A>G, p.Lys870Arg (NM_001409304.1); c.2276A>G, p.Lys759Arg (NM_001409305.1); c.2156A>G, p.Lys719Arg (NM_001409306.1, NM_001409307.1, NM_001409308.1 and 3 more transcripts); short protein forms K870R, K1010R, K719R, K741R, K759R.
Identifiers: ClinVar variation 1968203 (VCV001968203.5), dbSNP rs748563813, ClinGen allele CA362321653.

ClinVar aggregate classification (germline): Uncertain significance (1 of 4 stars; one submission).

gnomAD v4.1: 1 of 1,614,164 alleles (0.000062%); highest among the groups gnomAD compares: African/African-American, 0.0013%; no homozygotes.

Submission:

Labcorp Genetics (formerly Invitae), Labcorp
Classification: Uncertain significance. Last evaluated: 2025-06-12. Review status: criteria provided, single submitter. Criteria: Invitae Variant Classification Sherloc (09022015). Collection method: clinical testing. Allele origin: germline.
Comment: This sequence change replaces lysine, which is basic and polar, with arginine, which is basic and polar, at codon 1010 of the NSD1 protein (p.Lys1010Arg). This variant is not present in population databases (gnomAD no frequency). This variant has not been reported in the literature in individuals affected with NSD1-related conditions. ClinVar contains an entry for this variant (Variation ID: 1968203). Invitae Evidence Modeling of protein sequence and biophysical properties (such as structural, functional, and spatial information, amino acid conservation, physicochemical variation, residue mobility, and thermodynamic stability) indicates that this missense variant is not expected to disrupt NSD1 protein function with a negative predictive value of 95%. In summary, the available evidence is currently insufficient to determine the role of this variant in disease. Therefore, it has been classified as a Variant of Uncertain Significance.